The following is an entry in ClinVar:

NM_000043.6(FAS):c.695A>G (p.Tyr232Cys)

Gene: FAS (Fas cell surface death receptor; plus strand). Cytogenetic location: 10q23.31.
Variant type: single nucleotide variant.
Coding change: c.695A>G on transcript NM_000043.6 (MANE Select); coding-DNA position 695, A replaced by G.
Protein change: p.Tyr232Cys; replaces tyrosine 232 with cysteine.
Molecular consequence: missense variant. On other transcripts: 3 prime UTR variant (2), non-coding transcript variant (7).
Genome position (GRCh38, 1-based): chr10:89,014,137, A>G. VCF-style: chr10-89014137-A-G. GRCh37 (hg19) VCF-style: chr10-90773894-A-G.
Other names: Y216C; c.*18A>G (NM_001320619.2); c.632A>G, p.Tyr211Cys (NM_152871.4); c.*7A>G (NM_152872.4); short protein forms Y211C, Y232C.
Identifiers: ClinVar variation 16503 (VCV000016503.9), dbSNP rs121913079, ClinGen allele CA126578.

ClinVar aggregate classification (germline): Uncertain significance. Review status: criteria provided, single submitter (1 of 4 stars). 2 submissions from 2 submitters: Uncertain significance (1). 1 of the submissions does not count toward it. Last evaluated 2018-08-22.

Conditions:
Autoimmune lymphoproliferative syndrome type 1. Also called: AUTOIMMUNE LYMPHOPROLIFERATIVE SYNDROME, TYPE I, AUTOSOMAL DOMINANT. Identifiers: Orphanet 3261, MedGen C2717884, MONDO:0011158, OMIM 601859.
FAS-related autoimmune lymphoproliferative syndrome. Also called: AUTOIMMUNE LYMPHOPROLIFERATIVE SYNDROME, TYPE IA, AUTOSOMAL RECESSIVE; AUTOIMMUNE LYMPHOPROLIFERATIVE SYNDROME, TYPE IA. Identifiers: MedGen C1866119, MONDO:1060194.

Submissions (2):

Labcorp Genetics (formerly Invitae), Labcorp
Classification: Uncertain significance for Autoimmune lymphoproliferative syndrome. Last evaluated: 2018-08-22. Review status: criteria provided, single submitter. Criteria: Invitae Variant Classification Sherloc (09022015). Collection method: clinical testing. Allele origin: germline.
Comment: This sequence change replaces tyrosin with cysteine at codon 232 of the FAS protein (p.Tyr232Cys). The tyrosine residue is moderately conserved and there is a large physicochemical difference between tyrosin and cysteine This variant is not present in population databases (ExAC no frequency). This variant has been observed to segregate with autoimmune lymphoproliferative syndrome in a family (PMID: 9028321). ClinVar contains an entry for this variant (Variation ID: 16503). Experimental studies have shown that this missense change interferes with the function of Fas protein (PMID: 20935634, 26942442). In summary, the available evidence is currently insufficient to determine the role of this variant in disease. Therefore, it has been classified as a Variant of Uncertain Significance.

OMIM
Classification: Pathogenic for AUTOIMMUNE LYMPHOPROLIFERATIVE SYNDROME, TYPE IA, AUTOSOMAL RECESSIVE. Last evaluated: 1997-02-01. Review status: no assertion criteria provided. Collection method: literature only. Allele origin: germline. Not counted in ClinVar's aggregate classification.

Literature cited by the submitters: PubMed 9028321 (cited by Labcorp Genetics (formerly Invitae), Labcorp and OMIM); PubMed 20935634 (cited by Labcorp Genetics (formerly Invitae), Labcorp); PubMed 26942442 (cited by Labcorp Genetics (formerly Invitae), Labcorp).